The following is an entry in ClinVar:

NM_139276.3(STAT3):c.274-8A>T

Gene: STAT3 (signal transducer and activator of transcription 3; minus strand). Cytogenetic location: 17q21.2.
Variant type: single nucleotide variant.
Coding change: c.274-8A>T on transcript NM_139276.3 (MANE Select); 8 bases into the intron before coding-DNA position 274, A replaced by T.
Molecular consequence: intron variant.
Genome position (GRCh38, 1-based): chr17:42,345,665, T>A on the plus strand (A>T on the coding strand, the complement: STAT3 is on the minus strand). VCF-style: chr17-42345665-T-A. GRCh37 (hg19) VCF-style: chr17-40497683-T-A.
Other names: c.274-8A>T (NM_001384989.1, NM_001384992.1, NM_001384984.1 and 16 more transcripts); c.274-86A>T (NM_001384985.1).
Identifiers: ClinVar variation 796342 (VCV000796342.13), dbSNP rs772586829, ClinGen allele CA8575673.
Genomic context (GRCh38, chr17:42,345,665, plus strand): 5'-AGGCACCGGGCCACAATCCGGGCAATCTCCATTGGCTTCTCAAGATACCTGCTCTATAAG[T>A]AGGAGAGAAAGAGAATAAAAATCAGCAGCAGACCATGGAGATGTGGACTGAACTGTGGCA-3'

ClinVar aggregate classification (germline): Likely benign. Review status: criteria provided, single submitter (1 of 4 stars). 2 submissions from 2 submitters: Likely benign (1). 1 of the submissions does not count toward it. Last evaluated 2025-12-31.

Conditions:
STAT3-related disorder. Also called: STAT3-related condition.
Hyper-IgE recurrent infection syndrome 1, autosomal dominant. Also called: JOB SYNDROME; Hyper-IgE recurrent infection syndrome 1; STAT3 Hyper IgE Syndrome; HYPER-IgE SYNDROME 1, AUTOSOMAL DOMINANT, WITH RECURRENT INFECTIONS; Job's Syndrome. Identifiers: Orphanet 2314, MedGen C2936739, MONDO:0007818, OMIM 147060.
STAT3 gain of function. Identifiers: MedGen C4288261.

Allele frequency attached by ClinVar (database versions not stated): gnomAD exomes below 0.00001; TOPMed below 0.00001; ExAC 0.00002.

Submissions (2):

Labcorp Genetics (formerly Invitae), Labcorp
Classification: Likely benign for STAT3 gain of function; Hyper-IgE recurrent infection syndrome 1, autosomal dominant. Last evaluated: 2025-12-31. Review status: criteria provided, single submitter. Criteria: Invitae Variant Classification Sherloc (09022015). Collection method: clinical testing. Allele origin: germline.

PreventionGenetics, part of Exact Sciences
Classification: Likely benign for STAT3-related condition. Last evaluated: 2023-12-27. Review status: no assertion criteria provided. Collection method: clinical testing. Allele origin: germline. Not counted in ClinVar's aggregate classification.
Comment: This variant is classified as likely benign based on ACMG/AMP sequence variant interpretation guidelines (Richards et al. 2015 PMID: 25741868, with internal and published modifications).